The following is an entry in ClinVar:

NM_000017.4(ACADS):c.1025T>C (p.Ile342Thr)

Gene: ACADS (acyl-CoA dehydrogenase short chain; plus strand). Cytogenetic location: 12q24.31.
Variant type: single nucleotide variant.
Coding change: c.1025T>C on transcript NM_000017.4 (MANE Select); coding-DNA position 1025, T replaced by C.
Protein change: p.Ile342Thr; replaces isoleucine 342 with threonine.
Molecular consequence: missense variant.
Genome position (GRCh38, 1-based): chr12:120,738,911, T>C. VCF-style: chr12-120738911-T-C. GRCh37 (hg19) VCF-style: chr12-121176714-T-C.
Other names: c.1013T>C, p.Ile338Thr (NM_001302554.2); short protein forms I338T, I342T.
Identifiers: ClinVar variation 2183246 (VCV002183246.4), dbSNP rs765789568, ClinGen allele CA6831161.

ClinVar aggregate classification (germline): Uncertain significance (1 of 4 stars; one submission).

Conditions:
Deficiency of butyryl-CoA dehydrogenase (ACADSD). Also called: SCADH DEFICIENCY; Short-Chain Acyl-CoA Dehydrogenase Deficiency; SCAD Deficiency; ACADS DEFICIENCY; ACYL-CoA DEHYDROGENASE, SHORT-CHAIN, DEFICIENCY OF; SCAD DEFICIENCY, MILD. Identifiers: Orphanet 26792, MedGen C0342783, MONDO:0008722, OMIM 201470. Disease mechanism: May be benign.

Allele frequency attached by ClinVar (database versions not stated): gnomAD exomes 0.00001; TOPMed 0.00001; ExAC 0.00002; gnomAD 0.00003.

Submission:

Labcorp Genetics (formerly Invitae), Labcorp
Classification: Uncertain significance for Deficiency of butyryl-CoA dehydrogenase. Last evaluated: 2023-12-11. Review status: criteria provided, single submitter. Criteria: Invitae Variant Classification Sherloc (09022015). Collection method: clinical testing. Allele origin: germline.
Comment: This sequence change replaces isoleucine, which is neutral and non-polar, with threonine, which is neutral and polar, at codon 342 of the ACADS protein (p.Ile342Thr). This variant is present in population databases (rs765789568, gnomAD 0.02%). This variant has not been reported in the literature in individuals affected with ACADS-related conditions. ClinVar contains an entry for this variant (Variation ID: 2183246). Algorithms developed to predict the effect of missense changes on protein structure and function output the following: SIFT: "Not Available"; PolyPhen-2: "Benign"; Align-GVGD: "Not Available". The threonine amino acid residue is found in multiple mammalian species, which suggests that this missense change does not adversely affect protein function. In summary, the available evidence is currently insufficient to determine the role of this variant in disease. Therefore, it has been classified as a Variant of Uncertain Significance.